The following is an entry in ClinVar:

NM_172362.3(KCNH1):c.2801A>G (p.Lys934Arg)

Gene: KCNH1 (potassium voltage-gated channel subfamily H member 1; minus strand). Cytogenetic location: 1q32.2.
Variant type: single nucleotide variant.
Coding change: c.2801A>G on transcript NM_172362.3 (MANE Select); coding-DNA position 2801, A replaced by G.
Protein change: p.Lys934Arg; replaces lysine 934 with arginine.
Molecular consequence: missense variant.
Genome position (GRCh38, 1-based): chr1:210,683,450, T>C on the plus strand (A>G on the coding strand, the complement: KCNH1 is on the minus strand). VCF-style: chr1-210683450-T-C. GRCh37 (hg19) VCF-style: chr1-210856792-T-C.
Other names: c.2720A>G, p.Lys907Arg (NM_002238.4); short protein forms K907R, K934R.
Identifiers: ClinVar variation 3633721 (VCV003633721.2).
Genomic context (GRCh38, chr1:210,683,450, plus strand): 5'-ATCTCAGAGAGCTGTTTCTCAATATTGGTCATTTTGGCGTTTAAGGCCTTGATGTCCTCC[T>C]TCAGCTCGTGCCTCACCTCCAGGACTGTGGCCTGCAGCGTCTGCTCAGGGATGGGGTAGA-3'
Protein context (NP_758872.1, residues 924-944): ATVLEVRHEL[Lys934Arg]EDIKALNAKM

ClinVar aggregate classification (germline): Uncertain significance (1 of 4 stars; one submission).

Submission:

Labcorp Genetics (formerly Invitae), Labcorp
Classification: Uncertain significance. Last evaluated: 2024-05-02. Review status: criteria provided, single submitter. Criteria: Invitae Variant Classification Sherloc (09022015). Collection method: clinical testing. Allele origin: germline.
Comment: This sequence change replaces lysine, which is basic and polar, with arginine, which is basic and polar, at codon 934 of the KCNH1 protein (p.Lys934Arg). This variant is not present in population databases (gnomAD no frequency). This variant has not been reported in the literature in individuals affected with KCNH1-related conditions. Advanced modeling of protein sequence and biophysical properties (such as structural, functional, and spatial information, amino acid conservation, physicochemical variation, residue mobility, and thermodynamic stability) has been performed at Invitae for this missense variant, however the output from this modeling did not meet the statistical confidence thresholds required to predict the impact of this variant on KCNH1 protein function. In summary, the available evidence is currently insufficient to determine the role of this variant in disease. Therefore, it has been classified as a Variant of Uncertain Significance.